The following is an entry in ClinVar:

NM_005876.5(SPEG):c.7624C>T (p.Arg2542Ter)

Genes: ASIC4-AS1 (ASIC4 antisense RNA 1; minus strand), SPEG (striated muscle enriched protein kinase; plus strand). Cytogenetic location: 2q35.
Variant type: single nucleotide variant.
Coding change: c.7624C>T on transcript NM_005876.5 (MANE Select); coding-DNA position 7624, C replaced by T.
Protein change: p.Arg2542Ter; replaces arginine 2542 with a stop codon.
Molecular consequence: nonsense.
Genome position (GRCh38, 1-based): chr2:219,485,360, C>T. VCF-style: chr2-219485360-C-T. GRCh37 (hg19) VCF-style: chr2-220350082-C-T.
Other names: short protein forms R2542*.
Identifiers: ClinVar variation 3651005 (VCV003651005.2).

ClinVar aggregate classification (germline): Pathogenic (1 of 4 stars; one submission).

Submission:

Labcorp Genetics (formerly Invitae), Labcorp
Classification: Pathogenic. Last evaluated: 2024-04-30. Review status: criteria provided, single submitter. Criteria: Invitae Variant Classification Sherloc (09022015). Collection method: clinical testing. Allele origin: germline.
Comment: This sequence change creates a premature translational stop signal (p.Arg2542*) in the SPEG gene. It is expected to result in an absent or disrupted protein product. Loss-of-function variants in SPEG are known to be pathogenic (PMID: 19118250, 25087613). This variant is not present in population databases (gnomAD no frequency). This variant has not been reported in the literature in individuals affected with SPEG-related conditions. For these reasons, this variant has been classified as Pathogenic.

Literature cited by the submitters: PubMed 19118250; PubMed 25087613.